The following is an entry in ClinVar:

NC_012920.1(MT-ATP6):m.9056C>T

Gene: MT-ATP6 (mitochondrially encoded ATP synthase 6; plus strand).
Variant type: single nucleotide variant.
Genome position: chrM-9056-C-T.
Identifiers: ClinVar variation 693068 (VCV000693068.1), dbSNP rs1603222017, ClinGen allele CA414802048.

ClinVar aggregate classification (germline): Benign (1 of 4 stars; one submission).

Conditions:
Leigh syndrome (NULS). Also called: Leigh's necrotizing encephalopathy; Leigh's disease; Leigh Syndrome (mtDNA deletion); Leigh Disease; Subacute necrotizing encephalopathy; Necrotizing encephalopathy infantile subacute of Leigh. Identifiers: Orphanet 506, MedGen C2931891, MONDO:0009723, OMIM 256000.

Submission:

Wong Mito Lab, Molecular and Human Genetics, Baylor College of Medicine
Classification: Benign for Leigh syndrome. Last evaluated: 2019-10-17. Review status: criteria provided, single submitter. Criteria: Modified ACMG Guidelines (Unpublished). Collection method: clinical testing. Allele origin: germline.
Comment: The NC_012920.1:m.9056C>T (YP_003024031.1:p.Ala177Val) variant in MTATP6 gene is interpretated to be a Benign variant based on the modified ACMG guidelines (unpublished). This variant meets the following evidence codes: BS1, BS4